The following is an entry in ClinVar:

ClinVar aggregate classification (germline): Conflicting classifications of pathogenicity. Review status: criteria provided, conflicting classifications (1 of 4 stars). 3 submissions from 3 submitters: Uncertain significance (2); Likely benign (1). Last evaluated 2025-09-09.

Conditions:
Hereditary cancer-predisposing syndrome. Also called: Hereditary neoplastic syndrome; Hereditary Cancer Syndrome; Neoplastic Syndromes, Hereditary; Tumor predisposition. Identifiers: Orphanet 140162, MedGen C0027672, MeSH D009386, MONDO:0015356.
Familial adenomatous polyposis 2. Also called: MYH-associated polyposis; COLORECTAL ADENOMATOUS POLYPOSIS, AUTOSOMAL RECESSIVE; ADENOMAS, MULTIPLE COLORECTAL, AUTOSOMAL RECESSIVE; MUTYH-related attenuated familial adenomatous polyposis; Adenomas, multiple colorectal; FAP type 2. Identifiers: Orphanet 220460, Orphanet 247798, MedGen C3272841, MONDO:0012041, OMIM 608456.

Submissions (3):

Ambry Genetics
Classification: Likely benign for Hereditary cancer-predisposing syndrome. Last evaluated: 2025-09-09. Review status: criteria provided, single submitter. Criteria: Ambry Variant Classification Scheme 2023. Collection method: clinical testing. Allele origin: germline.

Labcorp Genetics (formerly Invitae), Labcorp
Classification: Uncertain significance for Familial adenomatous polyposis 2. Last evaluated: 2024-09-08. Review status: criteria provided, single submitter. Criteria: Invitae Variant Classification Sherloc (09022015). Collection method: clinical testing. Allele origin: germline.
Comment: This sequence change replaces phenylalanine, which is neutral and non-polar, with tyrosine, which is neutral and polar, at codon 96 of the MUTYH protein (p.Phe96Tyr). This variant is not present in population databases (gnomAD no frequency). This variant has not been reported in the literature in individuals affected with MUTYH-related conditions. ClinVar contains an entry for this variant (Variation ID: 479996). An algorithm developed to predict the effect of missense changes on protein structure and function (PolyPhen-2) suggests that this variant is likely to be disruptive. In summary, the available evidence is currently insufficient to determine the role of this variant in disease. Therefore, it has been classified as a Variant of Uncertain Significance.

Laboratory for Molecular Medicine, Mass General Brigham Personalized Medicine
Classification: Uncertain significance. Last evaluated: 2016-11-17. Review status: criteria provided, single submitter. Criteria: LMM Criteria. Collection method: clinical testing. Allele origin: germline. Observed: 1 variant allele.
Comment: The p.Phe96Tyr variant in MUTYH has not been previously reported in individuals with MUTYH-associated cancer or in large population studies. Computational predi ction tools and conservation analysis do not provide strong support for or again st an impact to the protein. In summary, the clinical significance of the p.Phe9 6Tyr variant is uncertain.

NM_001048174.2(MUTYH):c.203T>A (p.Phe68Tyr)

Gene: MUTYH (mutY DNA glycosylase; minus strand). Cytogenetic location: 1p34.1.
Variant type: single nucleotide variant.
Coding change: c.203T>A on transcript NM_001048174.2 (MANE Select); coding-DNA position 203, T replaced by A.
Protein change: p.Phe68Tyr; replaces phenylalanine 68 with tyrosine.
Molecular consequence: missense variant. On other transcripts: 5 prime UTR variant (4), non-coding transcript variant (2).
Genome position (GRCh38, 1-based): chr1:45,333,474, A>T on the plus strand (T>A on the coding strand, the complement: MUTYH is on the minus strand). VCF-style: chr1-45333474-A-T. GRCh37 (hg19) VCF-style: chr1-45799146-A-T.
Other names: c.203T>A, p.Phe68Tyr (NM_001048171.2, NM_001048173.2, NM_001293195.2); c.206T>A, p.Phe69Tyr (NM_001048172.2); c.287T>A, p.Phe96Tyr (NM_001128425.2); c.248T>A, p.Phe83Tyr (NM_001293190.2); c.236T>A, p.Phe79Tyr (NM_001293191.2); c.-74T>A (NM_001293192.2, NM_001293196.2); c.-69T>A (NM_001350650.2, NM_001350651.2); c.278T>A, p.Phe93Tyr (NM_012222.3); short protein forms F96Y, F68Y, F69Y, F93Y, F79Y, F83Y.
Identifiers: ClinVar variation 479996 (VCV000479996.18), dbSNP rs750954949, ClinGen allele CA340136448.